The following is an entry in ClinVar:

NM_014975.3(MAST1):c.3506C>T (p.Ser1169Leu)

Gene: MAST1 (microtubule associated serine/threonine kinase 1; plus strand). Cytogenetic location: 19p13.13.
Variant type: single nucleotide variant.
Coding change: c.3506C>T on transcript NM_014975.3 (MANE Select); coding-DNA position 3506, C replaced by T.
Protein change: p.Ser1169Leu; replaces serine 1169 with leucine.
Molecular consequence: missense variant.
Genome position (GRCh38, 1-based): chr19:12,873,663, C>T. VCF-style: chr19-12873663-C-T. GRCh37 (hg19) VCF-style: chr19-12984477-C-T.
Other names: short protein forms S1169L.
Identifiers: ClinVar variation 1342506 (VCV001342506.6), dbSNP rs564599262, ClinGen allele CA9233440.
Genomic context (GRCh38, chr19:12,873,663, plus strand): 5'-CCGCAGGCGCCTCATCCCAGAGCAGCTCCCCAGCCTCGAGCACGCCCAACTCGCCTGCGT[C>T]GTCGGCGTCGCACCACATTCGGCCCAGCACGCTGCACGGACTGTCGCCAAAGCTCCATCG-3'
Protein context (NP_055790.1, residues 1159-1179): PASSTPNSPA[Ser1169Leu]SASHHIRPST

ClinVar aggregate classification (germline): Uncertain significance. Review status: criteria provided, multiple submitters, no conflicts (2 of 4 stars). 2 submissions from 2 submitters: Uncertain significance (2). Last evaluated 2024-08-11.

Conditions:
Mega-corpus-callosum syndrome with cerebellar hypoplasia and cortical malformations. Identifiers: MedGen C4748927, MONDO:0032648, OMIM 618273.

Allele frequency attached by ClinVar (database versions not stated): gnomAD 0.00001; gnomAD exomes 0.00001 and 0.00002; ExAC 0.00002; TOPMed 0.00003; 1000 Genomes Project 30x 0.00016; 1000 Genomes Project 0.00020.
gnomAD v4.1: 5 of 1,597,304 alleles (0.00031%); highest among the groups gnomAD compares: Admixed American, 0.0067%; no homozygotes.

Submissions (2):

Labcorp Genetics (formerly Invitae), Labcorp
Classification: Uncertain significance. Last evaluated: 2024-08-11. Review status: criteria provided, single submitter. Criteria: Invitae Variant Classification Sherloc (09022015). Collection method: clinical testing. Allele origin: germline.
Comment: This sequence change replaces serine, which is neutral and polar, with leucine, which is neutral and non-polar, at codon 1169 of the MAST1 protein (p.Ser1169Leu). This variant is present in population databases (rs564599262, gnomAD 0.01%). This variant has not been reported in the literature in individuals affected with MAST1-related conditions. ClinVar contains an entry for this variant (Variation ID: 1342506). An algorithm developed to predict the effect of missense changes on protein structure and function (PolyPhen-2) suggests that this variant is likely to be tolerated. In summary, the available evidence is currently insufficient to determine the role of this variant in disease. Therefore, it has been classified as a Variant of Uncertain Significance.

New York Genome Center
Classification: Uncertain significance for Mega-corpus-callosum syndrome with cerebellar hypoplasia and cortical malformations. Last evaluated: 2021-04-02. Review status: criteria provided, single submitter. Criteria: NYGC Assertion Criteria 2020. Collection method: clinical testing. Allele origin: inherited. Observed: 1 heterozygote. Study: CSER-NYCKidSeq.